The following is an entry in ClinVar:

ClinVar aggregate classification (germline): Benign (1 of 4 stars; one submission).

Submission:

CeGaT Center for Human Genetics Tuebingen
Classification: Benign. Last evaluated: 2026-06-01. Review status: criteria provided, single submitter. Criteria: CeGaT Center For Human Genetics Tuebingen Variant Classification Criteria Version 2. Collection method: clinical testing. Allele origin: germline. Affected: yes. Observed: 1 variant allele.
Comment: KCNQ1OT1: BS1, BS2

NM_000218.3(KCNQ1):c.1394-27991_1394-27990insTTTATATCA

Genes: KCNQ1 (potassium voltage-gated channel subfamily Q member 1; plus strand), KCNQ1OT1 (KCNQ1 opposite strand/antisense transcript 1; minus strand). Cytogenetic location: 11p15.5.
Variant type: Insertion.
Coding change: c.1394-27991_1394-27990insTTTATATCA on transcript NM_000218.3 (MANE Select); 27991 bases into the intron before coding-DNA position 1394 through 27990 bases into the intron before coding-DNA position 1394, TTTATATCA inserted.
Molecular consequence: intron variant. On other transcripts: non-coding transcript variant (1).
Genome position: GRCh38 VCF-style: chr11-2633967-T-TTCATTTATA. GRCh37 (hg19) VCF-style: chr11-2655197-T-TTCATTTATA.
Other names: c.1124-27991_1124-27990insTTTATATCA (NM_001406837.1); c.1298-27991_1298-27990insTTTATATCA (NM_001406836.1); c.854-27991_854-27990insTTTATATCA (NM_001406838.1); c.1013-27991_1013-27990insTTTATATCA (NM_181798.2).
Identifiers: ClinVar variation 4874075 (VCV004874075.2).